The following is an entry in ClinVar:

NM_006231.4(POLE):c.5869G>C (p.Glu1957Gln)

Gene: POLE (DNA polymerase epsilon, catalytic subunit; minus strand). Cytogenetic location: 12q24.33.
Variant type: single nucleotide variant.
Coding change: c.5869G>C on transcript NM_006231.4 (MANE Select); coding-DNA position 5869, G replaced by C.
Protein change: p.Glu1957Gln; replaces glutamic acid 1957 with glutamine.
Molecular consequence: missense variant.
Genome position (GRCh38, 1-based): chr12:132,634,321, C>G on the plus strand (G>C on the coding strand, the complement: POLE is on the minus strand). VCF-style: chr12-132634321-C-G. GRCh37 (hg19) VCF-style: chr12-133210907-C-G.
Other names: short protein forms E1957Q.
Identifiers: ClinVar variation 654929 (VCV000654929.6), dbSNP rs1593712311, ClinGen allele CA387371714.

ClinVar aggregate classification (germline): Uncertain significance (1 of 4 stars; one submission).

Submission:

Labcorp Genetics (formerly Invitae), Labcorp
Classification: Uncertain significance. Last evaluated: 2021-12-08. Review status: criteria provided, single submitter. Criteria: Invitae Variant Classification Sherloc (09022015). Collection method: clinical testing. Allele origin: germline.
Comment: This sequence change replaces glutamic acid, which is acidic and polar, with glutamine, which is neutral and polar, at codon 1957 of the POLE protein (p.Glu1957Gln). This variant is not present in population databases (gnomAD no frequency). This variant has not been reported in the literature in individuals affected with POLE-related conditions. ClinVar contains an entry for this variant (Variation ID: 654929). Algorithms developed to predict the effect of missense changes on protein structure and function output the following: SIFT: "Tolerated"; PolyPhen-2: "Benign"; Align-GVGD: "Class C0". The glutamine amino acid residue is found in multiple mammalian species, which suggests that this missense change does not adversely affect protein function. In summary, the available evidence is currently insufficient to determine the role of this variant in disease. Therefore, it has been classified as a Variant of Uncertain Significance.